The following is an entry in ClinVar:

NM_000263.4(NAGLU):c.154G>A (p.Val52Met)

Genes: NAGLU (N-acetyl-alpha-glucosaminidase; plus strand), LOC130060903 (ATAC-STARR-seq lymphoblastoid silent region 8533; plus strand). Cytogenetic location: 17q21.2.
Variant type: single nucleotide variant.
Coding change: c.154G>A on transcript NM_000263.4 (MANE Select); coding-DNA position 154, G replaced by A.
Protein change: p.Val52Met; replaces valine 52 with methionine.
Molecular consequence: missense variant.
Genome position (GRCh38, 1-based): chr17:42,536,426, G>A. VCF-style: chr17-42536426-G-A. GRCh37 (hg19) VCF-style: chr17-40688444-G-A.
Other names: short protein forms V52M.
Identifiers: ClinVar variation 193069 (VCV000193069.8), dbSNP rs794726880, ClinGen allele CA238574.

ClinVar aggregate classification (germline): Conflicting classifications of pathogenicity. Review status: criteria provided, conflicting classifications (1 of 4 stars). 2 submissions from 2 submitters: Likely pathogenic (1); Uncertain significance (1). Last evaluated 2024-01-18.

Conditions:
Mucopolysaccharidosis, MPS-III-B (MPS3B). Also called: N-ACETYL-ALPHA-D-GLUCOSAMINIDASE DEFICIENCY; NAGLU DEFICIENCY; MPS III B; MUCOPOLYSACCHARIDOSIS, TYPE IIIB; SANFILIPPO SYNDROME B; MPS IIIB (Sanfilippo Syndrome Type B). Identifiers: Orphanet 79270, MedGen C0086648, MONDO:0009656, OMIM 252920.
Charcot-Marie-Tooth disease axonal type 2V. Also called: CHARCOT-MARIE-TOOTH NEUROPATHY, TYPE 2V; CHARCOT-MARIE-TOOTH DISEASE, AXONAL, AUTOSOMAL DOMINANT, TYPE 2V. Identifiers: Orphanet 447964, MedGen C5569050, MONDO:0014665, OMIM 616491.

Allele frequency attached by ClinVar (database versions not stated): gnomAD 0.00001; TOPMed 0.00001.

Submissions (2):

Labcorp Genetics (formerly Invitae), Labcorp
Classification: Likely pathogenic for Charcot-Marie-Tooth disease axonal type 2V; Mucopolysaccharidosis, MPS-III-B. Last evaluated: 2024-01-18. Review status: criteria provided, single submitter. Criteria: Invitae Variant Classification Sherloc (09022015). Collection method: clinical testing. Allele origin: germline.
Comment: This sequence change replaces valine, which is neutral and non-polar, with methionine, which is neutral and non-polar, at codon 52 of the NAGLU protein (p.Val52Met). This variant is not present in population databases (gnomAD no frequency). This missense change has been observed in individual(s) with mucopolysaccharidosis type III (PMID: 27590925). ClinVar contains an entry for this variant (Variation ID: 193069). Advanced modeling of protein sequence and biophysical properties (such as structural, functional, and spatial information, amino acid conservation, physicochemical variation, residue mobility, and thermodynamic stability) performed at Invitae indicates that this missense variant is expected to disrupt NAGLU protein function with a positive predictive value of 95%. In summary, the currently available evidence indicates that the variant is pathogenic, but additional data are needed to prove that conclusively. Therefore, this variant has been classified as Likely Pathogenic.

Eurofins Ntd Llc (ga)
Classification: Uncertain significance. Last evaluated: 2014-09-08. Review status: criteria provided, single submitter. Criteria: EGL Classification Definitions 2015. Collection method: clinical testing. Allele origin: germline. Observed: 1 variant allele, 1 heterozygote.

Literature cited by the submitters: PubMed 27590925 (cited by Labcorp Genetics (formerly Invitae), Labcorp).